The following is an entry in ClinVar:

NM_004341.5(CAD):c.1186G>A (p.Val396Ile)

Gene: CAD (carbamoyl-phosphate synthetase 2, aspartate transcarbamylase, and dihydroorotase; plus strand). Cytogenetic location: 2p23.3.
Variant type: single nucleotide variant.
Coding change: c.1186G>A on transcript NM_004341.5 (MANE Select); coding-DNA position 1186, G replaced by A.
Protein change: p.Val396Ile; replaces valine 396 with isoleucine.
Molecular consequence: missense variant.
Genome position (GRCh38, 1-based): chr2:27,224,422, G>A. VCF-style: chr2-27224422-G-A. GRCh37 (hg19) VCF-style: chr2-27447290-G-A.
Other names: c.1186G>A, p.Val396Ile (NM_001306079.2); short protein forms V396I.
Identifiers: ClinVar variation 1482838 (VCV001482838.8), dbSNP rs2148063236, ClinGen allele CA346203640.
Genomic context (GRCh38, chr2:27,224,422, plus strand): 5'-GAGCGCCTCTGTCCCCCTGGGATTCCCACTCCCGGCTCTGGACTTCCACCACCACGAAAG[G>A]TTCTGATCCTGGGCTCAGGGGGCCTCTCCATTGGCCAAGCTGGAGAATTTGACTACTCGG-3'
Protein context (NP_004332.2, residues 386-406): PGSGLPPPRK[Val396Ile]LILGSGGLSI

ClinVar aggregate classification (germline): Uncertain significance (1 of 4 stars; one submission).

Submission:

Labcorp Genetics (formerly Invitae), Labcorp
Classification: Uncertain significance. Last evaluated: 2022-07-19. Review status: criteria provided, single submitter. Criteria: Invitae Variant Classification Sherloc (09022015). Collection method: clinical testing. Allele origin: germline.
Comment: This variant is not present in population databases (gnomAD no frequency). This sequence change replaces valine, which is neutral and non-polar, with isoleucine, which is neutral and non-polar, at codon 396 of the CAD protein (p.Val396Ile). This variant has not been reported in the literature in individuals affected with CAD-related conditions. In summary, the available evidence is currently insufficient to determine the role of this variant in disease. Therefore, it has been classified as a Variant of Uncertain Significance. Algorithms developed to predict the effect of missense changes on protein structure and function (SIFT, PolyPhen-2, Align-GVGD) all suggest that this variant is likely to be disruptive. ClinVar contains an entry for this variant (Variation ID: 1482838).